The following is an entry in ClinVar:

ClinVar aggregate classification (germline): Uncertain significance (1 of 4 stars; one submission).

Conditions:
Cardiovascular phenotype. Identifiers: MedGen CN230736.

Submission:

Molecular Diagnostic Laboratory for Inherited Cardiovascular Disease, Montreal Heart Institute
Classification: Uncertain significance for Cardiovascular phenotype. Last evaluated: 2026-09-21. Review status: criteria provided, single submitter. Criteria: ACMG Guidelines, 2015. Collection method: clinical testing. Allele origin: germline. Affected: yes.
Comment: PVS1_mod, PM2

NM_001267550.2(TTN):c.11311+4418dup

Gene: TTN (titin; minus strand). Cytogenetic location: 2q31.2.
Variant type: Duplication.
Coding change: c.11311+4418dup on transcript NM_001267550.2 (MANE Select); 4418 bases into the intron after coding-DNA position 11311, one base duplicated (G; older notation c.11311+4418dupG).
Molecular consequence: intron variant. On other transcripts: frameshift variant (1).
Genome position (GRCh38, 1-based): chr2:178,748,706, C duplicated on the plus strand (G on the coding strand, the reverse complement: TTN is on the minus strand). VCF-style (leftmost placement, unchanged base first): chr2-178748705-T-TC. GRCh37 (hg19) VCF-style: chr2-179613432-T-TC.
Other names: c.13694dup, p.Ala4566fs (NM_133379.5); c.10222+4418dup (NM_003319.4); c.10798+4418dup (NM_133437.4); c.10597+4418dup (NM_133432.3); c.10360+4418dup (NM_133378.4, NM_001256850.1); short protein forms A4566fs.
Identifiers: ClinVar variation 5037787 (VCV005037787.1), dbSNP rs745796232.